The following is an entry in ClinVar:

ClinVar aggregate classification (germline): Uncertain significance (1 of 4 stars; one submission).

Allele frequency attached by ClinVar (database versions not stated): gnomAD exomes below 0.00001.
gnomAD v4.1: 1 of 1,607,212 alleles (0.000062%); highest among the groups gnomAD compares: Non-Finnish European, 0.000085%; no homozygotes.

Submission:

Labcorp Genetics (formerly Invitae), Labcorp
Classification: Uncertain significance. Last evaluated: 2021-12-13. Review status: criteria provided, single submitter. Criteria: Invitae Variant Classification Sherloc (09022015). Collection method: clinical testing. Allele origin: germline.
Comment: In summary, the available evidence is currently insufficient to determine the role of this variant in disease. Therefore, it has been classified as a Variant of Uncertain Significance. Algorithms developed to predict the effect of missense changes on protein structure and function are either unavailable or do not agree on the potential impact of this missense change (SIFT: "Not Available"; PolyPhen-2: "Probably Damaging"; Align-GVGD: "Not Available"). This variant has not been reported in the literature in individuals affected with MYO18B-related conditions. This variant is not present in population databases (gnomAD no frequency). This sequence change replaces glutamine, which is neutral and polar, with lysine, which is basic and polar, at codon 1928 of the MYO18B protein (p.Gln1928Lys).

NM_032608.7(MYO18B):c.5782C>A (p.Gln1928Lys)

Gene: MYO18B (myosin XVIIIB; plus strand). Cytogenetic location: 22q12.1.
Variant type: single nucleotide variant.
Coding change: c.5782C>A on transcript NM_032608.7 (MANE Select); coding-DNA position 5782, C replaced by A.
Protein change: p.Gln1928Lys; replaces glutamine 1928 with lysine.
Molecular consequence: missense variant.
Genome position (GRCh38, 1-based): chr22:25,950,400, C>A. VCF-style: chr22-25950400-C-A. GRCh37 (hg19) VCF-style: chr22-26346366-C-A.
Other names: c.5785C>A, p.Gln1929Lys (NM_001318245.2); short protein forms Q1928K, Q1929K.
Identifiers: ClinVar variation 2042276 (VCV002042276.4), dbSNP rs2518088563, ClinGen allele CA411008422.